The following is an entry in ClinVar:

ClinVar aggregate classification (germline): Uncertain significance (1 of 4 stars; one submission).

Submission:

Labcorp Genetics (formerly Invitae), Labcorp
Classification: Uncertain significance. Last evaluated: 2025-07-06. Review status: criteria provided, single submitter. Criteria: Invitae Variant Classification Sherloc (09022015). Collection method: clinical testing. Allele origin: germline.
Comment: This sequence change replaces arginine, which is basic and polar, with serine, which is neutral and polar, at codon 204 of the CTNNA1 protein (p.Arg204Ser). This variant is not present in population databases (gnomAD no frequency). This variant has not been reported in the literature in individuals affected with CTNNA1-related conditions. Invitae Evidence Modeling of protein sequence and biophysical properties (such as structural, functional, and spatial information, amino acid conservation, physicochemical variation, residue mobility, and thermodynamic stability) indicates that this missense variant is not expected to disrupt CTNNA1 protein function with a negative predictive value of 80%. In summary, the available evidence is currently insufficient to determine the role of this variant in disease. Therefore, it has been classified as a Variant of Uncertain Significance.

NM_001903.5(CTNNA1):c.610C>A (p.Arg204Ser)

Gene: CTNNA1 (catenin alpha 1; plus strand). Cytogenetic location: 5q31.2.
Variant type: single nucleotide variant.
Coding change: c.610C>A on transcript NM_001903.5 (MANE Select); coding-DNA position 610, C replaced by A.
Protein change: p.Arg204Ser; replaces arginine 204 with serine.
Molecular consequence: missense variant.
Genome position (GRCh38, 1-based): chr5:138,824,551, C>A. VCF-style: chr5-138824551-C-A. GRCh37 (hg19) VCF-style: chr5-138160240-C-A.
Other names: c.610C>A, p.Arg204Ser (NM_001290307.3, NM_001323982.2, NM_001323983.1 and 3 more transcripts); c.301C>A, p.Arg101Ser (NM_001290309.3); c.241C>A, p.Arg81Ser (NM_001290310.3); short protein forms R204S, R101S, R81S.
Identifiers: ClinVar variation 4741656 (VCV004741656.1).
Genomic context (GRCh38, chr5:138,824,551, plus strand): 5'-AAAGAGTGCTCCAATTTCTTGTTTTATTTACTCTTGTAGGAATTGAAAGATGTTGGCCAT[C>A]GTGATCAGATGGCTGCAGCTAGAGGAATCCTGCAGAAGAACGTTCCGATCCTCTATACTG-3'
Protein context (NP_001894.2, residues 194-214): RQQELKDVGH[Arg204Ser]DQMAAARGIL